The following is an entry in ClinVar:

NM_001204.7(BMPR2):c.2266A>G (p.Thr756Ala)

Gene: BMPR2 (bone morphogenetic protein receptor type 2; plus strand). Cytogenetic location: 2q33.2.
Variant type: single nucleotide variant.
Coding change: c.2266A>G on transcript NM_001204.7 (MANE Select); coding-DNA position 2266, A replaced by G.
Protein change: p.Thr756Ala; replaces threonine 756 with alanine.
Molecular consequence: missense variant.
Genome position (GRCh38, 1-based): chr2:202,555,931, A>G. VCF-style: chr2-202555931-A-G. GRCh37 (hg19) VCF-style: chr2-203420654-A-G.
Other names: short protein forms T756A.
Identifiers: ClinVar variation 3481366 (VCV003481366.3).

ClinVar aggregate classification (germline): Uncertain significance. Review status: criteria provided, multiple submitters, no conflicts (2 of 4 stars). 2 submissions from 2 submitters: Uncertain significance (2). Last evaluated 2025-02-03.

Conditions:
Pulmonary hypertension, primary, 1 (PPH1). Also called: Pulmonary hypertension, familial primary, 1, with or without HHT. Identifiers: Orphanet 422, MedGen C4552070, MONDO:0024533, OMIM 178600.
Pulmonary venoocclusive disease 1 (PVOD1). Also called: Pulmonary venoocclusive disease 1, autosomal dominant. Identifiers: Orphanet 31837, MedGen C3887658, MONDO:0020713, OMIM 265450.
Inborn genetic diseases. Identifiers: MedGen C0950123, MeSH D030342.

gnomAD v4.1: 2 of 1,614,058 alleles (0.00012%); highest among the groups gnomAD compares: African/African-American, 0.0027%; no homozygotes.

Submissions (2):

Ambry Genetics
Classification: Uncertain significance for Inborn genetic diseases. Last evaluated: 2025-02-03. Review status: criteria provided, single submitter. Criteria: Ambry Variant Classification Scheme 2023. Collection method: clinical testing. Allele origin: germline.
Comment: The p.T756A variant (also known as c.2266A>G), located in coding exon 12 of the BMPR2 gene, results from an A to G substitution at nucleotide position 2266. The threonine at codon 756 is replaced by alanine, an amino acid with similar properties. This amino acid position is conserved. In addition, the in silico prediction for this alteration is inconclusive. Based on the available evidence, the clinical significance of this variant remains unclear.

Fulgent Genetics
Classification: Uncertain significance for Pulmonary hypertension, primary, 1; Pulmonary venoocclusive disease 1. Last evaluated: 2024-01-13. Review status: criteria provided, single submitter. Criteria: ACMG Guidelines, 2015. Collection method: clinical testing. Allele origin: germline.